The following is an entry in ClinVar:

ClinVar aggregate classification (germline): Uncertain significance (1 of 4 stars; one submission).

gnomAD v4.1: 2 of 1,612,878 alleles (0.00012%); highest among the groups gnomAD compares: Non-Finnish European, 0.00017%; no homozygotes.

Submission:

GeneDx
Classification: Uncertain significance. Last evaluated: 2016-01-20. Review status: criteria provided, single submitter. Criteria: GeneDx Variant Classification (06012015). Collection method: clinical testing. Allele origin: germline. Affected: yes.
Comment: The H363R variant in the ANO3 gene has not been reported previously as a pathogenic variant, nor as a benign variant, to our knowledge. The H363R variant was not observed in approximately 6,500 individuals of European and African American ancestry in the NHLBI Exome Sequencing Project, indicating it is not a common benign variant in these populations. The H363R variant is a conservative amino acid substitution, which is not likely to impact secondary protein structure as these residues share similar properties. This substitution occurs at a position that is conserved across species. In silico analysis is inconsistent in its predictions as to whether or not the variant is damaging to the protein structure/function. We interpret H363R as a variant of uncertain significance.

NM_031418.4(ANO3):c.1088A>G (p.His363Arg)

Gene: ANO3 (anoctamin 3; plus strand). Cytogenetic location: 11p14.2.
Variant type: single nucleotide variant.
Coding change: c.1088A>G on transcript NM_031418.4 (MANE Select); coding-DNA position 1088, A replaced by G.
Protein change: p.His363Arg; replaces histidine 363 with arginine.
Molecular consequence: missense variant.
Genome position (GRCh38, 1-based): chr11:26,542,002, A>G. VCF-style: chr11-26542002-A-G. GRCh37 (hg19) VCF-style: chr11-26563549-A-G.
Other names: c.1271A>G, p.His424Arg (NM_001313726.2); c.650A>G, p.His217Arg (NM_001313727.2); short protein forms H363R, H424R, H217R.
Identifiers: ClinVar variation 382541 (VCV000382541.2), dbSNP rs1057521380, ClinGen allele CA16605896.
Genomic context (GRCh38, chr11:26,542,002, plus strand): 5'-TGCAGGGAGCCTACAAAAGTAGCCAGCCCATTAAAACCCATGGACCTCAGAATAACAGAC[A>G]TCTATTATATGAGCGCTGGGCACGCTGGGGAATGTGGTATAAGCATCAGCCTCTGGATTT-3'
Protein context (NP_113606.2, residues 353-373): IKTHGPQNNR[His363Arg]LLYERWARWG